The following is an entry in ClinVar:

ClinVar aggregate classification (germline): Uncertain significance. Review status: criteria provided, multiple submitters, no conflicts (2 of 4 stars). 2 submissions from 2 submitters: Uncertain significance (2). Last evaluated 2022-08-22.

Conditions:
Cardiovascular phenotype. Identifiers: MedGen CN230736.

Allele frequency attached by ClinVar (database versions not stated): gnomAD exomes below 0.00001; TOPMed 0.00002; gnomAD 0.00004.
gnomAD v4.1: 10 of 1,613,414 alleles (0.00062%); highest among the groups gnomAD compares: African/African-American, 0.012%; no homozygotes.

Submissions (2):

Ambry Genetics
Classification: Uncertain significance for Cardiovascular phenotype. Last evaluated: 2022-08-22. Review status: criteria provided, single submitter. Criteria: Ambry Variant Classification Scheme 2023. Collection method: clinical testing. Allele origin: germline.
Comment: The p.Y194C variant (also known as c.581A>G), located in coding exon 7 of the TXNRD2 gene, results from an A to G substitution at nucleotide position 581. The tyrosine at codon 194 is replaced by cysteine, an amino acid with highly dissimilar properties. This amino acid position is highly conserved in available vertebrate species. In addition, the in silico prediction for this alteration is inconclusive. Since supporting evidence is limited at this time, the clinical significance of this alteration remains unclear.

GeneDx
Classification: Uncertain significance. Last evaluated: 2020-01-20. Review status: criteria provided, single submitter. Criteria: GeneDx Variant Classification Process June 2021. Collection method: clinical testing. Allele origin: germline. Affected: yes.
Comment: Has not been previously published as pathogenic or benign to our knowledge; Reported in ClinVar as a variant of uncertain significance (ClinVar Variant ID# 519041; Landrum et al., 2016); Not observed at a significant frequency in large population cohorts (Lek et al., 2016); In silico analysis, which includes protein predictors and evolutionary conservation, supports a deleterious effect

NM_006440.5(TXNRD2):c.581A>G (p.Tyr194Cys)

Gene: TXNRD2 (thioredoxin reductase 2; minus strand). Cytogenetic location: 22q11.21.
Variant type: single nucleotide variant.
Coding change: c.581A>G on transcript NM_006440.5 (MANE Select); coding-DNA position 581, A replaced by G.
Protein change: p.Tyr194Cys; replaces tyrosine 194 with cysteine.
Molecular consequence: missense variant. On other transcripts: non-coding transcript variant (1).
Genome position (GRCh38, 1-based): chr22:19,915,224, T>C on the plus strand (A>G on the coding strand, the complement: TXNRD2 is on the minus strand). VCF-style: chr22-19915224-T-C. GRCh37 (hg19) VCF-style: chr22-19902747-T-C.
Other names: c.581A>G, p.Tyr194Cys (NM_001282512.3); c.578A>G, p.Tyr193Cys (NM_001352300.2); c.491A>G, p.Tyr164Cys (NM_001352301.2); c.293A>G, p.Tyr98Cys (NM_001352302.2); c.485A>G, p.Tyr162Cys (NM_001352303.2); short protein forms Y194C, Y162C, Y164C, Y193C, Y98C.
Identifiers: ClinVar variation 519041 (VCV000519041.7), dbSNP rs1219814151, ClinGen allele CA410692439.